The following is an entry in ClinVar:

ClinVar aggregate classification (germline): Benign. Review status: criteria provided, multiple submitters, no conflicts (2 of 4 stars). 5 submissions from 5 submitters: Benign (5). Last evaluated 2026-02-03.

Conditions:
Retinal cone dystrophy 4 (RCD4). Identifiers: Orphanet 1872, MedGen C1864849, MONDO:0012507, OMIM 610478.

Allele frequency attached by ClinVar (database versions not stated): ESP Exome Variant Server 0.03964; gnomAD 0.06118 and 0.07021; TOPMed 0.07607; ExAC 0.09566; gnomAD exomes 0.09752; 1000 Genomes Project 30x 0.16786; 1000 Genomes Project 0.17392.
gnomAD v4.1: 77,275 of 1,613,974 alleles (4.8%); highest among the groups gnomAD compares: East Asian, 44%; 7,778 homozygotes.

Submissions (5):

Labcorp Genetics (formerly Invitae), Labcorp
Classification: Benign. Last evaluated: 2026-02-03. Review status: criteria provided, single submitter. Criteria: Invitae Variant Classification Sherloc (09022015). Collection method: clinical testing. Allele origin: germline.

Blueprint Genetics
Classification: Benign. Last evaluated: 2024-11-27. Review status: criteria provided, single submitter. Criteria: ACMG Guidelines, 2015. Collection method: clinical testing. Allele origin: germline.

Illumina Laboratory Services, Illumina
Classification: Benign for Retinal cone dystrophy 4. Last evaluated: 2018-01-13. Review status: criteria provided, single submitter. Criteria: ICSL Variant Classification Criteria 13 December 2019. Collection method: clinical testing. Allele origin: germline.
Comment: This variant was observed in the ICSL laboratory as part of a predisposition screen in an ostensibly healthy population. It had not been previously curated by ICSL or reported in the Human Gene Mutation Database (HGMD: prior to June 1st, 2018), and was therefore a candidate for classification through an automated scoring system. Utilizing variant allele frequency, disease prevalence and penetrance estimates, and inheritance mode, an automated score was calculated to assess if this variant is too frequent to cause the disease. Based on the score and internal cut-off values, a variant classified as benign is not then subjected to further curation. The score for this variant resulted in a classification of benign for this disease.

Breakthrough Genomics
Classification: Benign. Review status: criteria provided, single submitter. Criteria: ACMG Guidelines, 2015. Collection method: not provided. Allele origin: germline. Inheritance: Autosomal recessive inheritance. Affected: yes.

PreventionGenetics, part of Exact Sciences
Classification: Benign. Review status: criteria provided, single submitter. Criteria: ACMG Guidelines, 2015. Collection method: clinical testing. Allele origin: germline.

NM_172364.5(CACNA2D4):c.2035C>T (p.Leu679=)

Gene: CACNA2D4 (calcium voltage-gated channel auxiliary subunit alpha2delta 4; minus strand). Cytogenetic location: 12p13.33.
Variant type: single nucleotide variant.
Coding change: c.2035C>T on transcript NM_172364.5 (MANE Select); coding-DNA position 2035, C replaced by T.
Protein change: p.Leu679=; no amino-acid change (leucine 679 retained).
Molecular consequence: synonymous variant.
Genome position (GRCh38, 1-based): chr12:1,856,203, G>A on the plus strand (C>T on the coding strand, the complement: CACNA2D4 is on the minus strand). VCF-style: chr12-1856203-G-A. GRCh37 (hg19) VCF-style: chr12-1965369-G-A.
Identifiers: ClinVar variation 262812 (VCV000262812.16), dbSNP rs2286372, ClinGen allele CA6386877.